The following is an entry in ClinVar:

NM_133261.3(GIPC3):c.788-5C>T

Gene: GIPC3 (GIPC PDZ domain containing family member 3; plus strand). Cytogenetic location: 19p13.3.
Variant type: single nucleotide variant.
Coding change: c.788-5C>T on transcript NM_133261.3 (MANE Select); 5 bases into the intron before coding-DNA position 788, C replaced by T.
Molecular consequence: intron variant.
Genome position (GRCh38, 1-based): chr19:3,590,034, C>T. VCF-style: chr19-3590034-C-T. GRCh37 (hg19) VCF-style: chr19-3590032-C-T.
Identifiers: ClinVar variation 163509 (VCV000163509.5), dbSNP rs528822982, ClinGen allele CA176153.

ClinVar aggregate classification (germline): Likely benign. Review status: criteria provided, multiple submitters, no conflicts (2 of 4 stars). 2 submissions from 2 submitters: Likely benign (2). Last evaluated 2021-09-20.

Allele frequency attached by ClinVar (database versions not stated): gnomAD 0.00001 and 0.00002; TOPMed 0.00003; ExAC 0.00005; gnomAD exomes 0.00006; 1000 Genomes Project 30x 0.00016; 1000 Genomes Project 0.00020.
gnomAD v4.1: 38 of 1,612,568 alleles (0.0024%); highest among the groups gnomAD compares: South Asian, 0.0044%; no homozygotes.

Submissions (2):

Blueprint Genetics
Classification: Likely benign. Last evaluated: 2021-09-20. Review status: criteria provided, single submitter. Criteria: ACMG Guidelines, 2015. Collection method: clinical testing. Allele origin: germline.

Laboratory for Molecular Medicine, Mass General Brigham Personalized Medicine
Classification: Likely benign. Last evaluated: 2014-12-24. Review status: criteria provided, single submitter. Criteria: LMM Criteria. Collection method: clinical testing. Allele origin: germline. Observed: 1 variant allele.
Comment: c.788-5C>T in intron 5 of GIPC3: This variant is not expected to have clinical s ignificance because a C>T change at this position does not diverge from the spli ce consensus sequence and is therefore unlikely to impact splicing. It has been identified in 5/63574 of European chromosomes by the Exome Aggregation Consortiu m (ExAC).